The following is an entry in ClinVar:

ClinVar aggregate classification (germline): Likely benign. Review status: criteria provided, multiple submitters, no conflicts (2 of 4 stars). 3 submissions from 3 submitters: Likely benign (2). 1 of the submissions does not count toward it. Last evaluated 2025-02-16.

Conditions:
FDFT1-related disorder. Also called: FDFT1-related condition.

Submissions (3):

Laboratory of Genetics, Children's Clinical University Hospital Latvia
Classification: Likely benign. Last evaluated: 2025-02-16. Review status: criteria provided, single submitter. Criteria: ACMG Guidelines, 2015. Collection method: clinical testing. Allele origin: germline. Affected: yes.

Blueprint Genetics
Classification: Likely benign. Last evaluated: 2024-11-26. Review status: criteria provided, single submitter. Criteria: ACMG Guidelines, 2015. Collection method: clinical testing. Allele origin: germline.

PreventionGenetics, part of Exact Sciences
Classification: Benign for FDFT1-related condition. Last evaluated: 2019-09-05. Review status: no assertion criteria provided. Collection method: clinical testing. Allele origin: germline. Not counted in ClinVar's aggregate classification.
Comment: This variant is classified as benign based on ACMG/AMP sequence variant interpretation guidelines (Richards et al. 2015 PMID: 25741868, with internal and published modifications).

NM_004462.5(FDFT1):c.100-84TCCCAC[9]

Gene: FDFT1 (farnesyl-diphosphate farnesyltransferase 1). Cytogenetic location: 8p23.1.
Variant type: Microsatellite.
Coding change: c.100-84TCCCAC[9] on transcript NM_004462.5 (MANE Select); nine copies in a row of the 6-base unit TCCCAC starting at c.100-84.
Molecular consequence: intron variant. On other transcripts: inframe indel (1), inframe insertion (1).
Genome position: GRCh38 VCF-style: chr8-11808709-G-GTCCCACTCCCACTCCCAC. GRCh37 (hg19) VCF-style: chr8-11666218-G-GTCCCACTCCCACTCCCAC.
Other names: c.214_231dup18 (NM_001287750.1); c.196CACTCC[9], p.Ser77_Cys78insHisSerHisSerHisSer (NM_001287750.2); c.100-84TCCCAC[9] (NM_001287742.2, NM_001287743.2); c.-93-84TCCCAC[9] (NM_001287744.2, NM_001287745.2, NM_001287747.2 and 2 more transcripts); c.64+5800TCCCAC[9] (NM_001287756.2).
Identifiers: ClinVar variation 3043487 (VCV003043487.4), dbSNP rs71711801, ClinGen allele CA459313877.